The following is an entry in ClinVar:

NM_203447.4(DOCK8):c.378C>G (p.Ile126Met)

Gene: DOCK8 (dedicator of cytokinesis 8; plus strand). Cytogenetic location: 9p24.3.
Variant type: single nucleotide variant.
Coding change: c.378C>G on transcript NM_203447.4 (MANE Select); coding-DNA position 378, C replaced by G.
Protein change: p.Ile126Met; replaces isoleucine 126 with methionine.
Molecular consequence: missense variant.
Genome position (GRCh38, 1-based): chr9:289,555, C>G. VCF-style: chr9-289555-C-G. GRCh37 (hg19) VCF-style: chr9-289555-C-G.
Other names: c.174C>G, p.Ile58Met (NM_001190458.2, NM_001193536.2); short protein forms I126M, I58M.
Identifiers: ClinVar variation 502648 (VCV000502648.18), dbSNP rs141175202, ClinGen allele CA4957199.

ClinVar aggregate classification (germline): Conflicting classifications of pathogenicity. Review status: criteria provided, conflicting classifications (1 of 4 stars). 4 submissions from 4 submitters: Uncertain significance (2); Likely benign (2). Last evaluated 2026-01-20.

Conditions:
Combined immunodeficiency due to DOCK8 deficiency (HIES2). Also called: DOCK8 Deficiency; HIES autosomal recessive; Hyper-IgE recurrent infection syndrome, autosomal recessive; HYPER-IgE RECURRENT INFECTION SYNDROME 2, AUTOSOMAL RECESSIVE; HYPER-IgE SYNDROME 2, AUTOSOMAL RECESSIVE, WITH RECURRENT INFECTIONS. Identifiers: Orphanet 217390, MedGen C4722305, MONDO:0009478, OMIM 243700.

Allele frequency attached by ClinVar (database versions not stated): gnomAD exomes 0.00019; ExAC 0.00021; ESP Exome Variant Server 0.00054; 1000 Genomes Project 0.00060; 1000 Genomes Project 30x 0.00062; TOPMed 0.00095; gnomAD 0.00124.
gnomAD v4.1: 261 of 1,612,360 alleles (0.016%); highest among the groups gnomAD compares: African/African-American, 0.3%; 1 homozygote.

Submissions (4):

Labcorp Genetics (formerly Invitae), Labcorp
Classification: Likely benign for Combined immunodeficiency due to DOCK8 deficiency. Last evaluated: 2026-01-20. Review status: criteria provided, single submitter. Criteria: Invitae Variant Classification Sherloc (09022015). Collection method: clinical testing. Allele origin: germline.

Blueprint Genetics
Classification: Uncertain significance. Last evaluated: 2024-10-09. Review status: criteria provided, single submitter. Criteria: ACMG Guidelines, 2015. Collection method: clinical testing. Allele origin: germline.

Baylor Genetics
Classification: Uncertain significance for Combined immunodeficiency due to DOCK8 deficiency. Last evaluated: 2018-07-31. Review status: criteria provided, single submitter. Criteria: ACMG Guidelines, 2015. Collection method: clinical testing. Allele origin: paternal. Affected: yes.
Comment: This variant was determined to be of uncertain significance according to ACMG Guidelines, 2015 [PMID:25741868].

Eurofins Ntd Llc (ga)
Classification: Likely benign. Last evaluated: 2017-06-27. Review status: criteria provided, single submitter. Criteria: EGL Classification Definitions 2015. Collection method: clinical testing. Allele origin: germline. Observed: 1 variant allele, 1 heterozygote.